The following is an entry in ClinVar:

NM_001079802.2(FKTN):c.479T>C (p.Leu160Pro)

Gene: FKTN (fukutin; plus strand). Cytogenetic location: 9q31.2.
Variant type: single nucleotide variant.
Coding change: c.479T>C on transcript NM_001079802.2 (MANE Select); coding-DNA position 479, T replaced by C.
Protein change: p.Leu160Pro; replaces leucine 160 with proline.
Molecular consequence: missense variant. On other transcripts: non-coding transcript variant (2).
Genome position (GRCh38, 1-based): chr9:105,604,324, T>C. VCF-style: chr9-105604324-T-C. GRCh37 (hg19) VCF-style: chr9-108366605-T-C.
Other names: c.479T>C, p.Leu160Pro (NM_001198963.2, NM_001351496.2, NM_001351498.2 and 1 more transcripts); c.410T>C, p.Leu137Pro (NM_001351497.2); c.83T>C, p.Leu28Pro (NM_001351499.2, NM_001351500.2, NM_001351501.2 and 1 more transcripts); short protein forms L137P, L160P, L28P.
Identifiers: ClinVar variation 2081845 (VCV002081845.4), dbSNP rs2539406860, ClinGen allele CA374332082.

ClinVar aggregate classification (germline): Uncertain significance. Review status: criteria provided, multiple submitters, no conflicts (2 of 4 stars). 2 submissions from 2 submitters: Uncertain significance (2). Last evaluated 2025-02-28.

Conditions:
Cardiovascular phenotype. Identifiers: MedGen CN230736.
Walker-Warburg congenital muscular dystrophy. Also called: Muscular dystrophy-dystroglycanopathy, type A; Walker-Warburg syndrome. Identifiers: Orphanet 899, MedGen C0265221, MONDO:0000171.

Submissions (2):

Labcorp Genetics (formerly Invitae), Labcorp
Classification: Uncertain significance for Walker-Warburg congenital muscular dystrophy. Last evaluated: 2025-02-28. Review status: criteria provided, single submitter. Criteria: Invitae Variant Classification Sherloc (09022015). Collection method: clinical testing. Allele origin: germline.
Comment: This sequence change replaces leucine, which is neutral and non-polar, with proline, which is neutral and non-polar, at codon 160 of the FKTN protein (p.Leu160Pro). This variant is not present in population databases (gnomAD no frequency). This variant has not been reported in the literature in individuals affected with FKTN-related conditions. ClinVar contains an entry for this variant (Variation ID: 2081845). Invitae Evidence Modeling of protein sequence and biophysical properties (such as structural, functional, and spatial information, amino acid conservation, physicochemical variation, residue mobility, and thermodynamic stability) indicates that this missense variant is expected to disrupt FKTN protein function with a positive predictive value of 95%. In summary, the available evidence is currently insufficient to determine the role of this variant in disease. Therefore, it has been classified as a Variant of Uncertain Significance.

Ambry Genetics
Classification: Uncertain significance for Cardiovascular phenotype. Last evaluated: 2023-05-27. Review status: criteria provided, single submitter. Criteria: Ambry Variant Classification Scheme 2023. Collection method: clinical testing. Allele origin: germline.
Comment: The p.L160P variant (also known as c.479T>C), located in coding exon 4 of the FKTN gene, results from a T to C substitution at nucleotide position 479. The leucine at codon 160 is replaced by proline, an amino acid with similar properties. This amino acid position is conserved. In addition, this alteration is predicted to be deleterious by in silico analysis. Since supporting evidence is limited at this time, the clinical significance of this alteration remains unclear.